The following is an entry in ClinVar:

ClinVar aggregate classification (germline): Pathogenic/Likely pathogenic. Review status: criteria provided, multiple submitters, no conflicts (2 of 4 stars). 2 submissions from 2 submitters: Pathogenic (1); Likely pathogenic (1). Last evaluated 2024-02-05.

Conditions:
3-methylcrotonyl-CoA carboxylase 1 deficiency (MCC1D). Also called: MCCD TYPE 1; METHYLCROTONYLGLYCINURIA TYPE I; MCC 1 deficiency; 3 Alpha methylcrotonylglycinuria 1. Identifiers: Orphanet 6, MedGen CN028786, MONDO:0008861, OMIM 210200.

Submissions (2):

Fulgent Genetics
Classification: Likely pathogenic for 3-methylcrotonyl-CoA carboxylase 1 deficiency. Last evaluated: 2024-02-05. Review status: criteria provided, single submitter. Criteria: ACMG Guidelines, 2015. Collection method: clinical testing. Allele origin: germline.

Labcorp Genetics (formerly Invitae), Labcorp
Classification: Pathogenic for 3-methylcrotonyl-CoA carboxylase 1 deficiency. Last evaluated: 2019-08-10. Review status: criteria provided, single submitter. Criteria: Invitae Variant Classification Sherloc (09022015). Collection method: clinical testing. Allele origin: germline.
Comment: This variant has not been reported in the literature in individuals with MCCC1-related conditions. This sequence change creates a premature translational stop signal (p.Cys129*) in the MCCC1 gene. It is expected to result in an absent or disrupted protein product. This variant is not present in population databases (ExAC no frequency). Loss-of-function variants in MCCC1 are known to be pathogenic (PMID: 11181649, 15359379, 22642865). For these reasons, this variant has been classified as Pathogenic.

Literature cited by the submitters: PubMed 11181649 (cited by Labcorp Genetics (formerly Invitae), Labcorp); PubMed 15359379 (cited by Labcorp Genetics (formerly Invitae), Labcorp); PubMed 22642865 (cited by Labcorp Genetics (formerly Invitae), Labcorp).

NM_020166.5(MCCC1):c.387C>A (p.Cys129Ter)

Gene: MCCC1 (methylcrotonyl-CoA carboxylase subunit 1; minus strand). Cytogenetic location: 3q27.1.
Variant type: single nucleotide variant.
Coding change: c.387C>A on transcript NM_020166.5 (MANE Select); coding-DNA position 387, C replaced by A.
Protein change: p.Cys129Ter; replaces cysteine 129 with a stop codon.
Molecular consequence: nonsense. On other transcripts: non-coding transcript variant (2), intron variant (1).
Genome position (GRCh38, 1-based): chr3:183,072,470, G>T on the plus strand (C>A on the coding strand, the complement: MCCC1 is on the minus strand). VCF-style: chr3-183072470-G-T. GRCh37 (hg19) VCF-style: chr3-182790258-G-T.
Other names: c.60C>A, p.Cys20Ter (NM_001363880.1); c.141-1113C>A (NM_001293273.2); short protein forms C129*, C20*.
Identifiers: ClinVar variation 949042 (VCV000949042.8), dbSNP rs761110034, ClinGen allele CA355331412.
Genomic context (GRCh38, chr3:183,072,470, plus strand): 5'-AAAAATAATTCCTTCTTGCTTACAAAGTTCAGCAAATTCCATGTTTTCTGAGAGAAAACC[G>T]CATCCTGGATGGATAGCCTAGAAATGAGAAATAAAATAAAAAATTTACTCATCAGTGCTC-3'